The following is an entry in ClinVar:

ClinVar aggregate classification (germline): Benign/Likely benign. Review status: criteria provided, multiple submitters, no conflicts (2 of 4 stars). 4 submissions from 4 submitters: Benign (1); Likely benign (3). Last evaluated 2026-08-18.

Conditions:
DICER1-related tumor predisposition. Also called: DICER1-related pleuropulmonary blastoma cancer predisposition syndrome; DICER1 syndrome. Identifiers: Orphanet 284343, MedGen C3839822, MONDO:0100216.
Hereditary cancer-predisposing syndrome. Also called: Neoplastic Syndromes, Hereditary; Tumor predisposition; Hereditary Cancer Syndrome; Hereditary neoplastic syndrome. Identifiers: Orphanet 140162, MedGen C0027672, MeSH D009386, MONDO:0015356.

Submissions (4):

Myriad Genetics, Inc.
Classification: Benign for DICER1-related tumor predisposition. Last evaluated: 2026-08-18. Review status: criteria provided, single submitter. Criteria: Myriad Autosomal Dominant, Autosomal Recessive and X-Linked Classification Criteria (2023). Collection method: clinical testing. Allele origin: unknown.
Comment: This variant is considered benign. This variant is a silent/synonymous amino acid change and it is not expected to impact splicing.

Ambry Genetics
Classification: Likely benign for Hereditary cancer-predisposing syndrome. Last evaluated: 2025-08-11. Review status: criteria provided, single submitter. Criteria: Ambry Variant Classification Scheme 2023. Collection method: clinical testing. Allele origin: germline.

CeGaT Center for Human Genetics Tuebingen
Classification: Likely benign. Last evaluated: 2025-08-01. Review status: criteria provided, single submitter. Criteria: CeGaT Center For Human Genetics Tuebingen Variant Classification Criteria Version 2. Collection method: clinical testing. Allele origin: germline. Affected: yes. Observed: 1 variant allele.
Comment: DICER1: PM2:Supporting, BP4, BP7

Labcorp Genetics (formerly Invitae), Labcorp
Classification: Likely benign for DICER1-related tumor predisposition. Last evaluated: 2024-03-19. Review status: criteria provided, single submitter. Criteria: Invitae Variant Classification Sherloc (09022015). Collection method: clinical testing. Allele origin: germline.

NM_177438.3(DICER1):c.2442A>T (p.Pro814=)

Gene: DICER1 (dicer 1, ribonuclease III; minus strand). Cytogenetic location: 14q32.13.
Variant type: single nucleotide variant.
Coding change: c.2442A>T on transcript NM_177438.3 (MANE Select); coding-DNA position 2442, A replaced by T.
Protein change: p.Pro814=; no amino-acid change (proline 814 retained).
Molecular consequence: synonymous variant.
Genome position (GRCh38, 1-based): chr14:95,108,088, T>A on the plus strand (A>T on the coding strand, the complement: DICER1 is on the minus strand). VCF-style: chr14-95108088-T-A. GRCh37 (hg19) VCF-style: chr14-95574425-T-A.
Other names: c.2442A>T (NM_177438.2); c.2442A>T, p.Pro814= (NM_001195573.1, NM_001271282.3, NM_001291628.2 and 1 more transcripts).
Identifiers: ClinVar variation 1624766 (VCV001624766.18), dbSNP rs2140026787, ClinGen allele CA487844943.